The following is an entry in ClinVar:

NM_025114.4(CEP290):c.4562_4567dup (p.Leu1522_Gly1523insGluLeu)

Gene: CEP290 (centrosomal protein 290; minus strand). Cytogenetic location: 12q21.32.
Variant type: Duplication.
Coding change: c.4562_4567dup on transcript NM_025114.4 (MANE Select); coding-DNA positions 4562 to 4567, 6 bases duplicated (AGCTAG; older notation c.4562_4567dupAGCTAG).
Protein change: p.Leu1522_Gly1523insGluLeu.
Molecular consequence: inframe insertion.
Genome position (GRCh38, 1-based): chr12:88,084,723-88,084,728, CTAGCT duplicated on the plus strand (AGCTAG on the coding strand, the reverse complement: CEP290 is on the minus strand); duplicating any 6 consecutive bases within chr12:88,084,723-88,084,729 gives the same sequence; the c. name uses the placement nearest the transcript's 3' end. VCF-style (leftmost placement, unchanged base first): chr12-88084722-C-CCTAGCT. GRCh37 (hg19) VCF-style: chr12-88478499-C-CCTAGCT.
Identifiers: ClinVar variation 4992616 (VCV004992616.1).
Genomic context (GRCh38, chr12:88,084,722, plus strand): 5'-GCAATGGTTTGATGAGCAATTTTCAATGTGTGGTGAGATTTTGGTTCCATCTCTTTTCTG[C>CCTAGCT]CTAGCTCAGCTATGAGCTTTTCTCTTTCTGCAGTGGCAGGCAATCGAAGCCTCAGTTCAT-3'

ClinVar aggregate classification (germline): Uncertain significance (1 of 4 stars; one submission).

Conditions:
CEP290-related disorder. Also called: CEP290-related disorders; CEP290-related condition. Identifiers: MedGen CN239314.

Submission:

PreventionGenetics, part of Exact Sciences
Classification: Uncertain significance for CEP290-related condition. Last evaluated: 2026-07-28. Review status: criteria provided, single submitter. Criteria: ACMG Guidelines, 2015. Collection method: clinical testing. Allele origin: germline.
Comment: The CEP290 c.4562_4567dup6 variant is predicted to result in an in-frame duplication (p.Glu1521_Leu1522dup). To our knowledge, this variant has not been reported in the literature. This variant is reported in 0.0065% of alleles in individuals of African descent in gnomAD. At this time, the clinical significance of this variant is uncertain due to the absence of conclusive functional and genetic evidence.